The following is an entry in ClinVar:

ClinVar aggregate classification (germline): Likely pathogenic. Review status: criteria provided, multiple submitters, no conflicts (2 of 4 stars). 2 submissions from 2 submitters: Likely pathogenic (2). Last evaluated 2022-07-15.

Conditions:
Osteogenesis imperfecta type I (OI1). Also called: OI, TYPE I; OSTEOGENESIS IMPERFECTA TARDA; OSTEOGENESIS IMPERFECTA WITH BLUE SCLERAE; Osteogenesis imperfecta type 1; Lobstein's Disease; Lobstein disease. Identifiers: Orphanet 216796, Orphanet 666, MedGen C0023931, MONDO:0008146, OMIM 166200. Disease mechanism: loss of function.
COL1A1-related disorder. Also called: COL1A1- related disease; COL1A1-related condition.

Submissions (2):

Department of Human Genetics, Hannover Medical School
Classification: Likely pathogenic for Osteogenesis imperfecta type I. Last evaluated: 2022-07-15. Review status: criteria provided, single submitter. Criteria: ACMG Guidelines, 2015. Collection method: clinical testing. Allele origin: germline. Inheritance: Autosomal dominant inheritance. Affected: yes.
Comment: The above mentioned likely pathogenic variant in the COL1A1 gene leads to a premature stop codon in exon 2. A premature stop codon usually results in degradation of the mRNA via nonsense-mediated mRNA decay (NMD) and/or expression of a truncated protein. The variant is not listed in the ClinVar and LOVDshared databases, nor in the gnomAD population database. The variant has also not been described in the literature to date. According to the current ACMG Standards and Guidelines (Richards et al. 2015 Genetics in Medicine), the above-mentioned variant is classified as class 4 (probably pathogenic). Translated with (free version)

Blueprint Genetics
Classification: Likely pathogenic for COL1A1-related disorders. Last evaluated: 2019-10-14. Review status: criteria provided, single submitter. Criteria: ACMG Guidelines, 2015. Collection method: clinical testing. Allele origin: germline. Affected: yes. Observed: 2 variant alleles.

NM_000088.4(COL1A1):c.298G>T (p.Glu100Ter)

Gene: COL1A1 (collagen type I alpha 1 chain; minus strand). Cytogenetic location: 17q21.33.
Variant type: single nucleotide variant.
Coding change: c.298G>T on transcript NM_000088.4 (MANE Select); coding-DNA position 298, G replaced by T.
Protein change: p.Glu100Ter; replaces glutamic acid 100 with a stop codon.
Molecular consequence: nonsense.
Genome position (GRCh38, 1-based): chr17:50,199,753, C>A on the plus strand (G>T on the coding strand, the complement: COL1A1 is on the minus strand). VCF-style: chr17-50199753-C-A. GRCh37 (hg19) VCF-style: chr17-48277114-C-A.
Other names: short protein forms E100*.
Identifiers: ClinVar variation 1695988 (VCV001695988.2), dbSNP rs2144593675, ClinGen allele CA400227994.
Genomic context (GRCh38, chr17:50,199,753, plus strand): 5'-GCCCCAGCCCCAGGCCCCAGGCCCCAGGCCCCAGGCCCCAGGCCCCGAGCGCAGCCGCAC[C>A]TGAGCCGTCGGGGCAGACGGGACAGCACTCGCCCTCGGGGACTTCGGCGCCGGGGCAGTT-3'